The following is an entry in ClinVar:

ClinVar aggregate classification (germline): Uncertain significance (1 of 4 stars; one submission).

Submission:

GeneDx
Classification: Uncertain significance. Last evaluated: 2019-04-11. Review status: criteria provided, single submitter. Criteria: GeneDx Variant Classification Process June 2021. Collection method: clinical testing. Allele origin: germline. Affected: yes.
Comment: Not observed in large population cohorts (Lek et al., 2016); In silico analysis, which includes protein predictors and evolutionary conservation, supports a deleterious effect; Has not been previously published as pathogenic or benign to our knowledge; This substitution is predicted to be within the cytoplasmic loop between the second and third homologous domains

NM_001165963.4(SCN1A):c.3637C>G (p.Arg1213Gly)

Genes: SCN1A (sodium voltage-gated channel alpha subunit 1; minus strand), LOC102724058 (uncharacterized LOC102724058; plus strand). Cytogenetic location: 2q24.3.
Variant type: single nucleotide variant.
Coding change: c.3637C>G on transcript NM_001165963.4 (MANE Select); coding-DNA position 3637, C replaced by G.
Protein change: p.Arg1213Gly; replaces arginine 1213 with glycine.
Molecular consequence: missense variant. On other transcripts: non-coding transcript variant (1).
Genome position (GRCh38, 1-based): chr2:166,013,812, G>C on the plus strand (C>G on the coding strand, the complement: SCN1A is on the minus strand). VCF-style: chr2-166013812-G-C. GRCh37 (hg19) VCF-style: chr2-166870322-G-C.
Other names: c.3553C>G, p.Arg1185Gly (NM_001165964.3, NM_001353957.2, NM_001353958.2); c.3637C>G, p.Arg1213Gly (NM_001202435.3, NM_001353948.2); c.3604C>G, p.Arg1202Gly (NM_001353949.2, NM_001353950.2, NM_001353951.2 and 2 more transcripts); c.3601C>G, p.Arg1201Gly (NM_001353954.2, NM_001353955.2); c.3550C>G, p.Arg1184Gly (NM_001353960.2); c.1195C>G, p.Arg399Gly (NM_001353961.2); short protein forms R1184G, R1185G, R1201G, R1202G, R1213G, R399G.
Identifiers: ClinVar variation 1308538 (VCV001308538.2), dbSNP rs794726710, ClinGen allele CA349056062.